The following continues an entry in ClinVar:

NM_000038.6(APC):c.3927_3931del (p.Glu1309fs)

Gene: APC. ClinVar aggregate classification (germline): Pathogenic. Pathogenic (1). ClinVar aggregate classification (oncogenicity): Oncogenic.

Submissions 19 to 34 of 51:

All of Us Research Program, National Institutes of Health
Classification: Pathogenic for Classic or attenuated familial adenomatous polyposis. Last evaluated: 2024-01-08. Review status: criteria provided, single submitter. Criteria: ACMG Guidelines, 2015. Collection method: clinical testing. Allele origin: germline. Inheritance: Autosomal dominant inheritance. Observed: 2 variant alleles, 2 heterozygotes. Not counted in ClinVar's aggregate classification.
Comment: This variant deletes 5 nucleotides in exon 16 of the APC gene, creating a frameshift and premature translation stop signal in the last coding exon. This variant is predicted to escape nonsense-mediated decay and be expressed as a truncated protein. Although functional studies have not been reported, this variant is expected to disrupt the Beta-catenin binding, EB1 binding and HDLG binding domains; and NLS domains. This variant has been reported in individuals affected with familial adenomatous polyposis (PMIDs: 8187091, 9950360, 12007223, 14961559, 15024739, 15108288, 16088911, 16134147, 17411426, 17486639, 17963004, 18433509, 19029688, 19531215, 20223039, 20564245, 20649969, 20685668, 20924072, 21078199, 21110124, 21643010, 21779980, 21901162, 22987206, 23159591, 25317407, 26163615, 26625971). This variant has been identified in 2/251040 chromosomes in the general population by the Genome Aggregation Database (gnomAD). Loss of APC function is a known mechanism of disease. Based on the available evidence, this variant is classified as Pathogenic.

This study involves interpretation of variants in research participants for the purpose of population health screening. Participant phenotype was not available at the time of variant classification. Additional details can be found in publication PMID: 35346344, PMCID: PMC8962531

Baylor Genetics
Classification: Pathogenic for Familial adenomatous polyposis 1. Last evaluated: 2023-07-07. Review status: criteria provided, single submitter. Criteria: ACMG Guidelines, 2015. Collection method: clinical testing. Allele origin: unknown. Not counted in ClinVar's aggregate classification.

KCCC/NGS Laboratory, Kuwait Cancer Control Center
Classification: Pathogenic for Familial adenomatous polyposis 1. Last evaluated: 2023-07-07. Review status: criteria provided, single submitter. Criteria: ACMG Guidelines, 2015. Collection method: clinical testing. Allele origin: unknown. Affected: yes. Not counted in ClinVar's aggregate classification.
Comment: This sequence change results in a premature translational stop signal in the APC gene (p.Glu1309Aspfs*4). While this is not anticipated to result in nonsense mediated decay, it is expected to disrupt the last 1535 amino acids of the APC protein. This variant has been reported in numerous individuals and families affected with familial adenomatous polyposis (FAP) (PMID: 20223039, 1316610, 23159591, 24664542), and is the most frequently observed APC pathogenic variant in individuals with FAP (PMID: 20223039). ClinVar contains an entry for this variant (Variation ID: 816). Numerous pathogenic truncating variants have been reported downstream of this variant (PMID: 8940264, 11247896, 20434453), suggesting that deletion of this region of the APC protein is causative of disease. Therefore, this variant has been classified as Pathogenic.

Myriad Genetics, Inc.
Classification: Pathogenic for Familial adenomatous polyposis 1. Last evaluated: 2023-02-23. Review status: criteria provided, single submitter. Criteria: Myriad Autosomal Dominant, Autosomal Recessive and X-Linked Classification Criteria (2023). Collection method: clinical testing. Allele origin: unknown. Not counted in ClinVar's aggregate classification.
Comment: This variant is considered pathogenic. This variant creates a frameshift predicted to result in premature protein truncation.

Revvity Omics, Revvity
Classification: Pathogenic. Last evaluated: 2022-09-24. Review status: criteria provided, single submitter. Criteria: ACMG Guidelines, 2015. Collection method: clinical testing. Allele origin: germline. Not counted in ClinVar's aggregate classification.

Clinical Genetics Laboratory, Skane University Hospital Lund
Classification: Pathogenic. Last evaluated: 2022-05-27. Review status: criteria provided, single submitter. Criteria: ACMG Guidelines, 2015. Collection method: clinical testing. Allele origin: germline. Affected: yes. Not counted in ClinVar's aggregate classification.

Laboratorio de Genetica e Diagnostico Molecular, Hospital Israelita Albert Einstein
Classification: Pathogenic for Familial adenomatous polyposis 1. Last evaluated: 2021-10-14. Review status: criteria provided, single submitter. Criteria: ACMG Guidelines, 2015. Collection method: clinical testing. Allele origin: germline. Affected: yes. Not counted in ClinVar's aggregate classification.
Comment: ACMG classification criteria: PVS1 strong, PS4 strong, PM2 moderate

Blueprint Genetics
Classification: Pathogenic for APC-related disorders. Last evaluated: 2021-07-30. Review status: criteria provided, single submitter. Criteria: ACMG Guidelines, 2015. Collection method: clinical testing. Allele origin: germline. Affected: yes. Observed: 3 variant alleles. Not counted in ClinVar's aggregate classification.

Sema4
Classification: Pathogenic for Hereditary cancer-predisposing syndrome. Last evaluated: 2021-06-02. Review status: criteria provided, single submitter. Criteria: Sema4 Curation Guidelines. Collection method: curation. Allele origin: germline. Not counted in ClinVar's aggregate classification.
Comment: The APC c.3927_3931delAAAGA (p.E1309DfsX4) variant has been reported in heterozygosity in numerous individuals with familial adenomatous polyposis and/or colorectal cancer (PMID: 1316610, 23906606, 31360874, 20223039, among others). It is also known as c.3927del5 and c.3921_3925delAAAAG in the literature. The variant is a well-established pathogenic variant associated with familial adenomatous polyposis (PMID: 20223039). This variant causes a frameshift at amino acid 1309 that results in premature termination 4 amino acids downstream. As this variant is not predicted to cause nonsense-mediated decay, the protein product is expected to be truncated. A functional study suggested the variant protein may act as a dominant negative allele, hindering the normal function of the wild-type protein and altering beta catenin-mediated transcription (PMID: 10213492). This variant was observed in 2/251040 chromosomes in the Genome Aggregation Database (PMID: 32461654) and has been reported in ClinVar (Variation ID: 816). Based on the current evidence available, this variant is interpreted as pathogenic.

Department of Molecular Diagnostics, Institute of Oncology Ljubljana
Classification: Pathogenic for Familial adenomatous polyposis 1. Last evaluated: 2019-06-27. Review status: criteria provided, single submitter. Criteria: ACMG Guidelines, 2015. Collection method: clinical testing. Allele origin: germline. Affected: yes. Not counted in ClinVar's aggregate classification.

Clinical Genetics and Genomics, Karolinska University Hospital
Classification: Pathogenic. Last evaluated: 2017-12-05. Review status: criteria provided, single submitter. Criteria: ACMG Guidelines, 2015. Collection method: clinical testing. Allele origin: germline. Affected: yes. Observed: 6 variant alleles. Not counted in ClinVar's aggregate classification.

GenePathDx, GenePath diagnostics
Classification: Pathogenic for Familial adenomatous polyposis 1. Last evaluated: 2017-08-27. Review status: criteria provided, single submitter. Criteria: GenePathDx_Criteria_classificationV2. Collection method: clinical testing. Allele origin: germline. Inheritance: Autosomal dominant inheritance. Affected: yes. Observed: 1 variant allele. Not counted in ClinVar's aggregate classification.

Centre for Mendelian Genomics, University Medical Centre Ljubljana
Classification: Pathogenic for Adenomatous colonic polyposis; Duodenal polyposis; Hyperplastic colonic polyposis; Intestinal polyp; Gastric polyposis. Last evaluated: 2017-01-01. Review status: criteria provided, single submitter. Criteria: ACMG Guidelines, 2015. Collection method: clinical testing. Allele origin: unknown. Affected: yes. Not counted in ClinVar's aggregate classification.

Women's Health and Genetics/Laboratory Corporation of America, LabCorp
Classification: Pathogenic for Familial multiple polyposis syndrome. Last evaluated: 2016-11-10. Review status: criteria provided, single submitter. Criteria: LabCorp Variant Classification Summary - May 2015. Collection method: clinical testing. Allele origin: germline. Not counted in ClinVar's aggregate classification.
Comment: Variant summary: The APC c.3927_3931delAAAGA (p.Glu1309Aspfs) variant results in a premature termination codon, predicted to cause a truncated or absent APC protein due to nonsense mediated decay, which are commonly known mechanisms for disease. One in silico tool predicts a damaging outcome for this variant. This variant is absent in 121054 control chromosomes. The variant has been reported in numerous affected families and individuals in the literature from various countries/ethnicities. In addition, multiple clinical diagnostic laboratories/reputable databases classified this variant as pathogenic. Taken together, this variant is classified as pathogenic.

Centre for Mendelian Genomics, University Medical Centre Ljubljana
Classification: Pathogenic for Colorectal cancer. Last evaluated: 2016-01-01. Review status: criteria provided, single submitter. Criteria: ACMG Guidelines, 2015. Collection method: clinical testing. Allele origin: unknown. Affected: yes. Not counted in ClinVar's aggregate classification.
Comment: This variant was classified as: Pathogenic.

Eurofins Ntd Llc (ga)
Classification: Pathogenic. Last evaluated: 2015-09-14. Review status: criteria provided, single submitter. Criteria: EGL Classification Definitions 2015. Collection method: clinical testing. Allele origin: germline. Observed: 1 variant allele, 1 heterozygote. Not counted in ClinVar's aggregate classification.